The following is an entry in ClinVar:

NM_004369.4(COL6A3):c.8004G>T (p.Gln2668His)

Gene: COL6A3 (collagen type VI alpha 3 chain; minus strand). Cytogenetic location: 2q37.3.
Variant type: single nucleotide variant.
Coding change: c.8004G>T on transcript NM_004369.4 (MANE Select); coding-DNA position 8004, G replaced by T.
Protein change: p.Gln2668His; replaces glutamine 2668 with histidine.
Molecular consequence: missense variant.
Genome position (GRCh38, 1-based): chr2:237,340,912, C>A on the plus strand (G>T on the coding strand, the complement: COL6A3 is on the minus strand). VCF-style: chr2-237340912-C-A. GRCh37 (hg19) VCF-style: chr2-238249555-C-A.
Other names: c.6183G>T, p.Gln2061His (NM_057166.5); c.7386G>T, p.Gln2462His (NM_057167.4); short protein forms Q2668H, Q2061H, Q2462H.
Identifiers: ClinVar variation 4700592 (VCV004700592.1).

ClinVar aggregate classification (germline): Uncertain significance (1 of 4 stars; one submission).

Conditions:
Bethlem myopathy 1A. Also called: MYOPATHY, BENIGN CONGENITAL, WITH CONTRACTURES; Bethlem myopathy 1; Bethlem Muscular Dystrophy. Identifiers: Orphanet 610, MedGen CN029274, MONDO:0024530, OMIM 158810.

gnomAD v4.1: 1 of 1,613,198 alleles (0.000062%); highest among the groups gnomAD compares: Non-Finnish European, 0.000085%; no homozygotes.

Submission:

Labcorp Genetics (formerly Invitae), Labcorp
Classification: Uncertain significance for Bethlem myopathy 1A. Last evaluated: 2025-11-18. Review status: criteria provided, single submitter. Criteria: Invitae Variant Classification Sherloc (09022015). Collection method: clinical testing. Allele origin: germline.
Comment: This sequence change replaces glutamine, which is neutral and polar, with histidine, which is basic and polar, at codon 2668 of the COL6A3 protein (p.Gln2668His). This variant is not present in population databases (gnomAD no frequency). This variant has not been reported in the literature in individuals affected with COL6A3-related conditions. Invitae Evidence Modeling of protein sequence and biophysical properties (such as structural, functional, and spatial information, amino acid conservation, physicochemical variation, residue mobility, and thermodynamic stability) indicates that this missense variant is expected to disrupt COL6A3 protein function with a positive predictive value of 80%. In summary, the available evidence is currently insufficient to determine the role of this variant in disease. Therefore, it has been classified as a Variant of Uncertain Significance.